The following is an entry in ClinVar:

NM_001376.5(DYNC1H1):c.12905G>A (p.Arg4302Gln)

Gene: DYNC1H1 (dynein cytoplasmic 1 heavy chain 1; plus strand). Cytogenetic location: 14q32.31.
Variant type: single nucleotide variant.
Coding change: c.12905G>A on transcript NM_001376.5 (MANE Select); coding-DNA position 12905, G replaced by A.
Protein change: p.Arg4302Gln; replaces arginine 4302 with glutamine.
Molecular consequence: missense variant.
Genome position (GRCh38, 1-based): chr14:102,044,597, G>A. VCF-style: chr14-102044597-G-A. GRCh37 (hg19) VCF-style: chr14-102510934-G-A.
Other names: short protein forms R4302Q.
Identifiers: ClinVar variation 450317 (VCV000450317.7), dbSNP rs755680664, ClinGen allele CA7354081.

ClinVar aggregate classification (germline): Uncertain significance. Review status: criteria provided, multiple submitters, no conflicts (2 of 4 stars). 2 submissions from 2 submitters: Uncertain significance (2). Last evaluated 2025-04-20.

Conditions:
Charcot-Marie-Tooth disease axonal type 2O. Also called: Charcot-Marie-Tooth disease, axonal, type 20; CHARCOT-MARIE-TOOTH NEUROPATHY, AXONAL, TYPE 2O; CHARCOT-MARIE-TOOTH DISEASE, AXONAL, AUTOSOMAL DOMINANT, TYPE 2O; Charcot-Marie-Tooth Neuropathy Type 2O. Identifiers: Orphanet 284232, MedGen C3280220, MONDO:0013644, OMIM 614228.

Allele frequency attached by ClinVar (database versions not stated): gnomAD exomes below 0.00001 and 0.00001; ExAC 0.00002.
gnomAD v4.1: 4 of 1,614,188 alleles (0.00025%); highest among the groups gnomAD compares: Non-Finnish European, 0.00034%; no homozygotes.

Submissions (2):

Labcorp Genetics (formerly Invitae), Labcorp
Classification: Uncertain significance for Charcot-Marie-Tooth disease axonal type 2O. Last evaluated: 2025-04-20. Review status: criteria provided, single submitter. Criteria: Invitae Variant Classification Sherloc (09022015). Collection method: clinical testing. Allele origin: germline.
Comment: This sequence change replaces arginine, which is basic and polar, with glutamine, which is neutral and polar, at codon 4302 of the DYNC1H1 protein (p.Arg4302Gln). This variant is present in population databases (rs755680664, gnomAD 0.002%). This variant has not been reported in the literature in individuals affected with DYNC1H1-related conditions. ClinVar contains an entry for this variant (Variation ID: 450317). An algorithm developed to predict the effect of missense changes on protein structure and function (PolyPhen-2) suggests that this variant is likely to be disruptive. In summary, the available evidence is currently insufficient to determine the role of this variant in disease. Therefore, it has been classified as a Variant of Uncertain Significance.

GeneDx
Classification: Uncertain significance. Last evaluated: 2017-07-20. Review status: criteria provided, single submitter. Criteria: GeneDx Variant Classification (06012015). Collection method: clinical testing. Allele origin: germline. Affected: yes.
Comment: The R4302Q variant has not been published as a pathogenic variant, nor has it been reported as a benign variant to our knowledge. The R4302Q variant is observed in 2/66,688 (0.003%) alleles from individuals of European background (Lek et al., 2016; 1000 Genomes Consortium et al., 2015; Exome Variant Server). This variant is a semi-conservative amino acid substitution, which may impact secondary protein structure as these residues differ in some properties. This substitution occurs at a position that is conserved across species, and in silico analysis predicts this variant is probably damaging to the protein structure/function. However, missense variants in nearby residues have not been reported in the Human Gene Mutation Database in association with DYNC1H1-related disorders (Stenson et al., 2014).